The following is an entry in ClinVar:

ClinVar aggregate classification (germline): Pathogenic. Review status: criteria provided, multiple submitters, no conflicts (2 of 4 stars). 14 submissions from 13 submitters: Pathogenic (13). 1 of the submissions does not count toward it. Last evaluated 2024-09-30.

Conditions:
Amyotrophic lateral sclerosis type 5 (ALS5). Also called: AMYOTROPHIC LATERAL SCLEROSIS 5, JUVENILE. Identifiers: Orphanet 300605, MedGen C1865864, MONDO:0011196, OMIM 602099.
SPG11-related disorder. Also called: SPG11-related condition.
Hereditary spastic paraplegia. Also called: Familial spastic paraparesis. Identifiers: Orphanet 685, MedGen C0037773, MONDO:0019064. Disease mechanism: loss of function.
Hereditary spastic paraplegia 11. Also called: Spastic Paraplegia 11; Spastic paraplegia, mental retardation and thin corpus callosum; Nakamura Osame syndrome; Autosomal recessive hereditary spastic paraplegia, mental impairment, and thin corpus callosum; SPASTIC PARAPLEGIA, AUTOSOMAL RECESSIVE, COMPLICATED, WITH THIN CORPUS CALLOSUM; SPASTIC PARAPLEGIA, AUTOSOMAL RECESSIVE, WITH MENTAL IMPAIRMENT AND THIN CORPUS CALLOSUM. Identifiers: Orphanet 2822, MedGen C1858479, MONDO:0011445, OMIM 604360.

Allele frequency attached by ClinVar (database versions not stated): TOPMed 0.00001.
gnomAD v4.1: 6 of 1,614,158 alleles (0.00037%); highest among the groups gnomAD compares: African/African-American, 0.0013%; no homozygotes.

Submissions (14):

Greenwood Genetic Center Diagnostic Laboratories, Greenwood Genetic Center
Classification: Pathogenic for SPG11-related disorder. Last evaluated: 2024-09-30. Review status: criteria provided, single submitter. Criteria: ACMG Guidelines, 2015. Collection method: clinical testing. Allele origin: germline. Affected: yes.
Comment: PVS1, PM2, PM3_Strong, PP1

Labcorp Genetics (formerly Invitae), Labcorp
Classification: Pathogenic for Hereditary spastic paraplegia 11. Last evaluated: 2024-01-31. Review status: criteria provided, single submitter. Criteria: Invitae Variant Classification Sherloc (09022015). Collection method: clinical testing. Allele origin: germline.
Comment: This sequence change creates a premature translational stop signal (p.Arg2031*) in the SPG11 gene. It is expected to result in an absent or disrupted protein product. Loss-of-function variants in SPG11 are known to be pathogenic (PMID: 19105190, 20110243, 22154821, 26556829). This variant is not present in population databases (gnomAD no frequency). This premature translational stop signal has been observed in individuals with hereditary spastic paraplegia (PMID: 18408091, 29691679). It has also been observed to segregate with disease in related individuals. ClinVar contains an entry for this variant (Variation ID: 41340). For these reasons, this variant has been classified as Pathogenic.

Women's Health and Genetics/Laboratory Corporation of America, LabCorp
Classification: Pathogenic for Hereditary spastic paraplegia. Last evaluated: 2023-10-31. Review status: criteria provided, single submitter. Criteria: LabCorp Variant Classification Summary - May 2015. Collection method: clinical testing. Allele origin: germline.
Comment: Variant summary: SPG11 c.6091C>T (p.Arg2031X) results in a premature termination codon, predicted to cause absence of the protein due to nonsense mediated decay, a commonly known mechanism for disease. The variant was absent in 251360 control chromosomes (gnomAD). c.6091C>T has been reported in the literature in multiple individuals affected with Hereditary Spastic Paraplegia, Type 11 (e.g. Denora_2009). These data indicate that the variant is very likely to be associated with disease. The following publication have been ascertained in the context of this evaluation (PMID: 19105190). Seven submitters have cited clinical-significance assessments for this variant to ClinVar after 2014. All submitters classified the variant as pathogenic. Based on the evidence outlined above, the variant was classified as pathogenic.

GeneDx
Classification: Pathogenic. Last evaluated: 2023-09-18. Review status: criteria provided, single submitter. Criteria: GeneDx Variant Classification Process June 2021. Collection method: clinical testing. Allele origin: germline.
Comment: Reported in several members of one family with hereditary spastic paraplegia who also harbor a frameshift variant on the opposite allele (in trans) (Lee et al., 2008); Nonsense variant predicted to result in protein truncation or nonsense mediated decay in a gene for which loss of function is a known mechanism of disease; Not observed at significant frequency in large population cohorts (gnomAD); This variant is associated with the following publications: (PMID: 25525159, 31227335, 31692161, 29691679, 18408091)

Athena Diagnostics
Classification: Pathogenic. Last evaluated: 2022-10-13. Review status: criteria provided, single submitter. Criteria: Athena Diagnostics Criteria. Collection method: clinical testing. Allele origin: unknown.
Comment: This variant is expected to result in the loss of a functional protein. This variant segregates with disease in multiple families. This variant has not been reported in large, multi-ethnic general populations.

3billion
Classification: Pathogenic for Hereditary spastic paraplegia 11. Last evaluated: 2022-01-03. Review status: criteria provided, single submitter. Criteria: ACMG Guidelines, 2015. Collection method: clinical testing. Allele origin: germline. Affected: yes. Observed: 1 heterozygote.
Comment: Stop-gained (nonsense): predicted to result in a loss or disruption of normal protein function through nonsense-mediated decay (NMD) or protein truncation. Multiple pathogenic variants are reported downstream of the variant (PVS1_VS). It is not observed in the gnomAD v2.1.1 dataset (PM2_M). The variant has been reported at least twice as pathogenic/likely pathogenic with clinical assertions and evidence for the classification (ClinVar ID: VCV000041340, PMID:18408091). Therefore, this variant is classified as pathogenic according to the recommendation of ACMG/AMP guideline.

Baylor Genetics
Classification: Pathogenic for Amyotrophic lateral sclerosis type 5. Last evaluated: 2019-03-26. Review status: criteria provided, single submitter. Criteria: ACMG Guidelines, 2015. Collection method: clinical testing. Allele origin: paternal. Affected: yes.
Comment: This variant was determined to be pathogenic according to ACMG Guidelines, 2015 [PMID:25741868]. This variant has been previously reported as disease causing [PMID 18408091, 29691679, 25525159]

CeGaT Center for Human Genetics Tuebingen
Classification: Pathogenic. Last evaluated: 2017-09-01. Review status: criteria provided, single submitter. Criteria: CeGaT Center For Human Genetics Tuebingen Variant Classification Criteria Version 2. Collection method: clinical testing. Allele origin: germline. Affected: yes. Observed: 1 variant allele.

Genome Diagnostics Laboratory, The Hospital for Sick Children
Classification: Pathogenic for Hereditary spastic paraplegia. Last evaluated: 2016-12-12. Review status: criteria provided, single submitter. Criteria: ACMG Guidelines, 2015. Collection method: clinical testing. Allele origin: germline. Affected: yes.

Genome-Nilou Lab
Classification: Pathogenic for Amyotrophic lateral sclerosis type 5. Review status: criteria provided, single submitter. Criteria: ACMG Guidelines, 2015. Collection method: clinical testing. Allele origin: germline.

Genome-Nilou Lab
Classification: Pathogenic for Hereditary spastic paraplegia 11. Review status: criteria provided, single submitter. Criteria: ACMG Guidelines, 2015. Collection method: clinical testing. Allele origin: germline.

Juno Genomics, Hangzhou Juno Genomics, Inc
Classification: Pathogenic for Hereditary spastic paraplegia 11. Review status: criteria provided, single submitter. Criteria: ACMG Guidelines, 2015. Collection method: clinical testing. Allele origin: germline.
Comment: Absent from controls (or at extremely low frequency if recessive) in Genome Aggregation Database.;Null variant in a gene where loss of function (LOF) is a known mechanism of disease.;For recessive disorders, detected in trans with a pathogenic variant.;Co-segregation with disease in multiple affected family members.

Neuberg Centre For Genomic Medicine, NCGM
Classification: Pathogenic for Hereditary spastic paraplegia 11. Review status: criteria provided, single submitter. Criteria: ACMG Guidelines, 2015. Collection method: clinical testing. Allele origin: germline. Inheritance: Autosomal recessive inheritance. Affected: yes.
Comment: The stop gained variant c.6091C>T (p.Arg2031Ter) in the SPG11 gene has been reported in the compound heterozygous and homozygous state in individuals affected with hereditary spastic paraplegia (Travaglini et al., 2018; Kara et al., 2016). The variant is absent in gnomAD Exomes. It has been submitted to ClinVar as Pathogenic (Multiple submitters). This variant is predicted to cause loss of normal protein function through protein truncation. Loss of function variants has been previously reported to be disease causing. For these reasons, this variant has been classified as Pathogenic. In the absence of another reportable variant, the molecular diagnosis is not confirmed.

GeneReviews
No classification provided. Condition: Hereditary spastic paraplegia 11. Review status: no classification provided. Collection method: literature only. Allele origin: unknown. Not counted in ClinVar's aggregate classification.

Literature cited by the submitters: PubMed 19105190 (cited by 4 submitters); PubMed 20110243 (cited by Labcorp Genetics (formerly Invitae), Labcorp); PubMed 22154821 (cited by Labcorp Genetics (formerly Invitae), Labcorp); PubMed 26556829 (cited by Labcorp Genetics (formerly Invitae), Labcorp); PubMed 18408091 (cited by 5 submitters); PubMed 29691679 (cited by Labcorp Genetics (formerly Invitae), Labcorp and Baylor Genetics); PubMed 23221952 (cited by Athena Diagnostics); PubMed 24451228 (cited by Athena Diagnostics); PubMed 23733235 (cited by Athena Diagnostics); PubMed 25525159 (cited by Baylor Genetics); PubMed 20301389 (cited by GeneReviews); NCBI Bookshelf NBK1210 (cited by GeneReviews).

NM_025137.4(SPG11):c.6091C>T (p.Arg2031Ter)

Gene: SPG11 (SPG11 vesicle trafficking associated, spatacsin; minus strand). Cytogenetic location: 15q21.1.
Variant type: single nucleotide variant.
Coding change: c.6091C>T on transcript NM_025137.4 (MANE Select); coding-DNA position 6091, C replaced by T.
Protein change: p.Arg2031Ter; replaces arginine 2031 with a stop codon.
Molecular consequence: nonsense. On other transcripts: intron variant (1).
Genome position (GRCh38, 1-based): chr15:44,573,661, G>A on the plus strand (C>T on the coding strand, the complement: SPG11 is on the minus strand). VCF-style: chr15-44573661-G-A. GRCh37 (hg19) VCF-style: chr15-44865859-G-A.
Other names: c.5867-841C>T (NM_001160227.2); short protein forms R2031*.
Identifiers: ClinVar variation 41340 (VCV000041340.62), dbSNP rs147713329, ClinGen allele CA344370.